The following is an entry in ClinVar:

ClinVar aggregate classification (germline): Uncertain significance. Review status: criteria provided, multiple submitters, no conflicts (2 of 4 stars). 2 submissions from 2 submitters: Uncertain significance (2). Last evaluated 2025-04-10.

Conditions:
Bardet-Biedl syndrome (BBS). Identifiers: Orphanet 110, MedGen C0752166, MONDO:0015229.
BBS9-related disorder. Also called: BBS9-related condition.

Allele frequency attached by ClinVar (database versions not stated): gnomAD exomes below 0.00001 and 0.00001; ExAC 0.00001; gnomAD 0.00001; TOPMed 0.00001.
gnomAD v4.1: 6 of 1,611,716 alleles (0.00037%); highest among the groups gnomAD compares: South Asian, 0.0011%; no homozygotes.

Submissions (2):

PreventionGenetics, part of Exact Sciences
Classification: Uncertain significance for BBS9-related condition. Last evaluated: 2025-04-10. Review status: criteria provided, single submitter. Criteria: ACMG Guidelines, 2015. Collection method: clinical testing. Allele origin: germline.
Comment: The BBS9 c.1511C>T variant is predicted to result in the amino acid substitution p.Ala504Val. To our knowledge, this variant has not been reported in the literature. This variant is reported in 0.0033% of alleles in individuals of South Asian descent in gnomAD. At this time, the clinical significance of this variant is uncertain due to the absence of conclusive functional and genetic evidence.

Labcorp Genetics (formerly Invitae), Labcorp
Classification: Uncertain significance for Bardet-Biedl syndrome. Last evaluated: 2021-09-29. Review status: criteria provided, single submitter. Criteria: Invitae Variant Classification Sherloc (09022015). Collection method: clinical testing. Allele origin: germline.
Comment: This sequence change replaces alanine with valine at codon 504 of the BBS9 protein (p.Ala504Val). The alanine residue is highly conserved and there is a small physicochemical difference between alanine and valine. This variant is present in population databases (rs750504833, ExAC 0.002%). This variant has not been reported in the literature in individuals affected with BBS9-related conditions. Algorithms developed to predict the effect of missense changes on protein structure and function output the following: SIFT: "Deleterious"; PolyPhen-2: "Benign"; Align-GVGD: "Class C55". The valine amino acid residue is found in multiple mammalian species, which suggests that this missense change does not adversely affect protein function. In summary, the available evidence is currently insufficient to determine the role of this variant in disease. Therefore, it has been classified as a Variant of Uncertain Significance.

NM_198428.3(BBS9):c.1511C>T (p.Ala504Val)

Gene: BBS9 (Bardet-Biedl syndrome 9; plus strand). Cytogenetic location: 7p14.3.
Variant type: single nucleotide variant.
Coding change: c.1511C>T on transcript NM_198428.3 (MANE Select); coding-DNA position 1511, C replaced by T.
Protein change: p.Ala504Val; replaces alanine 504 with valine.
Molecular consequence: missense variant. On other transcripts: non-coding transcript variant (3), intron variant (5).
Genome position (GRCh38, 1-based): chr7:33,351,297, C>T. VCF-style: chr7-33351297-C-T. GRCh37 (hg19) VCF-style: chr7-33390909-C-T.
Other names: c.1511C>T, p.Ala504Val (NM_001033605.2, NM_001348036.1, NM_001348041.4 and 2 more transcripts); c.1145C>T, p.Ala382Val (NM_001348037.3, NM_001348045.3, NM_001348046.3); c.1238C>T, p.Ala413Val (NM_001348038.3); c.1376C>T, p.Ala459Val (NM_001348042.3); c.1160-1562C>T (NM_001348039.3); c.1433-1562C>T (NM_001033604.2); c.1432+2127C>T (NM_014451.4, NM_001348040.3); c.1067-1562C>T (NM_001348044.3); and 1 more; short protein forms A504V, A413V, A459V, A382V.
Identifiers: ClinVar variation 1383742 (VCV001383742.5), dbSNP rs750504833, ClinGen allele CA4214359.
Genomic context (GRCh38, chr7:33,351,297, plus strand): 5'-CAGTAAGCTTTTCTGTTTATCTGAAAAGAAGTTATACACCATCAGAATTGGAAGGAAATG[C>T]TGTTGTTTCTTATTCCAGACCAACAGGTAAACATACAGGCTTAATCATTACTTTAAGTTG-3'
Protein context (NP_940820.1, residues 494-514): SYTPSELEGN[Ala504Val]VVSYSRPTDR